The following is an entry in ClinVar:

NM_021922.3(FANCE):c.551C>A (p.Pro184Gln)

Gene: FANCE (FA complementation group E; plus strand). Cytogenetic location: 6p21.31.
Variant type: single nucleotide variant.
Coding change: c.551C>A on transcript NM_021922.3 (MANE Select); coding-DNA position 551, C replaced by A.
Protein change: p.Pro184Gln; replaces proline 184 with glutamine.
Molecular consequence: missense variant.
Genome position (GRCh38, 1-based): chr6:35,456,049, C>A. VCF-style: chr6-35456049-C-A. GRCh37 (hg19) VCF-style: chr6-35423826-C-A.
Other names: short protein forms P184Q.
Identifiers: ClinVar variation 929574 (VCV000929574.1), dbSNP rs373268808, ClinGen allele CA363773138.

ClinVar aggregate classification (germline): Uncertain significance (0 of 4 stars; one submission).

Conditions:
Fanconi anemia complementation group E (FANCE). Also called: FANCE-Related Fanconi Anemia. Identifiers: Orphanet 84, MedGen C3160739, MONDO:0010953, OMIM 600901.

Submission:

Leiden Open Variation Database
Classification: Uncertain significance for Fanconi anemia complementation group E. Last evaluated: 2011-02-07. Review status: no assertion criteria provided. Collection method: curation. Allele origin: germline. Affected: yes.
Comment: Curator: Arleen D. Auerbach. Submitter to LOVD: Johan de Winter.

Literature cited by the submitters: PubMed 17924555.